The following is an entry in ClinVar:

ClinVar aggregate classification (germline): Pathogenic (1 of 4 stars; one submission).

Conditions:
Neurofibromatosis, type 1 (NF1). Also called: NEUROFIBROMATOSIS, TYPE I, SOMATIC; Peripheral type neurofibromatosis; Neurofibromatosis, type I; VON RECKLINGHAUSEN DISEASE. Identifiers: Orphanet 636, MedGen C0027831, MONDO:0018975, OMIM 162200. Disease mechanism: loss of function.

Submission:

Labcorp Genetics (formerly Invitae), Labcorp
Classification: Pathogenic for Neurofibromatosis, type 1. Last evaluated: 2024-12-17. Review status: criteria provided, single submitter. Criteria: Invitae Variant Classification Sherloc (09022015). Collection method: clinical testing. Allele origin: germline.
Comment: This sequence change creates a premature translational stop signal (p.Ser368Glnfs*11) in the NF1 gene. It is expected to result in an absent or disrupted protein product. Loss-of-function variants in NF1 are known to be pathogenic (PMID: 10712197, 23913538). This variant is not present in population databases (gnomAD no frequency). This variant has not been reported in the literature in individuals affected with NF1-related conditions. For these reasons, this variant has been classified as Pathogenic.

Literature cited by the submitters: PubMed 10712197; PubMed 23913538.

NM_001042492.3(NF1):c.1101dup (p.Ser368fs)

Gene: NF1 (neurofibromin 1; plus strand). Cytogenetic location: 17q11.2.
Variant type: Duplication.
Coding change: c.1101dup on transcript NM_001042492.3 (MANE Select); coding-DNA position 1101, one base duplicated (C; older notation c.1101dupC).
Protein change: p.Ser368fs; shifts the reading frame from serine 368.
Molecular consequence: frameshift variant.
Genome position (GRCh38, 1-based): chr17:31,201,075, C duplicated. VCF-style (leftmost placement, unchanged base first): chr17-31201074-G-GC. GRCh37 (hg19) VCF-style: chr17-29528092-G-GC.
Other names: c.1101dup, p.Ser368Glnfs (NM_000267.4); c.1101dup, p.Ser368fs (NM_001128147.3); short protein forms S368fs.
Identifiers: ClinVar variation 3727458 (VCV003727458.2).